The following is an entry in ClinVar:

NM_001387430.1(SH2B1):c.524C>A (p.Thr175Asn)

Gene: SH2B1 (SH2B adaptor protein 1; plus strand). Cytogenetic location: 16p11.2.
Variant type: single nucleotide variant.
Coding change: c.524C>A on transcript NM_001387430.1 (MANE Select); coding-DNA position 524, C replaced by A.
Protein change: p.Thr175Asn; replaces threonine 175 with asparagine.
Molecular consequence: missense variant. On other transcripts: intron variant (1).
Genome position (GRCh38, 1-based): chr16:28,866,618, C>A. VCF-style: chr16-28866618-C-A. GRCh37 (hg19) VCF-style: chr16-28877939-C-A.
Other names: c.524C>A, p.Thr175Asn (NM_001145796.2, NM_001145797.2, NM_001145812.2 and 4 more transcripts); c.-26-756C>A (NM_001308294.2); short protein forms T175N.
Identifiers: ClinVar variation 1338248 (VCV001338248.35), dbSNP rs147094247, ClinGen allele CA7985946.
Genomic context (GRCh38, chr16:28,866,618, plus strand): 5'-TGCGTTCAGTGGGTCGCTCTGTCCGAGGCTCAGTCCGTGGCATCCTGCAGTGGCGGGGGA[C>A]CGTTGACCCTCCCTCCTCCGCTGGGCCCCTGGAGACCTCGTCAGGCCCCCCAGTCTTAGG-3'
Protein context (NP_001374359.1, residues 165-185): SVRGILQWRG[Thr175Asn]VDPPSSAGPL

ClinVar aggregate classification (germline): Uncertain significance. Review status: criteria provided, multiple submitters, no conflicts (2 of 4 stars). 4 submissions from 4 submitters: Uncertain significance (4). Last evaluated 2026-04-22.

Conditions:
SH2B1-related disorder. Also called: SH2B1-related condition.

Allele frequency attached by ClinVar (database versions not stated): ExAC 0.00027; gnomAD exomes 0.00034; TOPMed 0.00039; gnomAD 0.00045 and 0.00047; ESP Exome Variant Server 0.00046.

Submissions (4):

PreventionGenetics, part of Exact Sciences
Classification: Uncertain significance for SH2B1-related condition. Last evaluated: 2026-04-22. Review status: criteria provided, single submitter. Criteria: ACMG Guidelines, 2015. Collection method: clinical testing. Allele origin: germline.
Comment: The SH2B1 c.524C>A variant is predicted to result in the amino acid substitution p.Thr175Asn. This variant has been reported in individuals with both lean and obese phenotypes (Pearce et al. 2014. PubMed ID: 24971614; Aerts et al. 2015. PubMed ID: 26031769; Volckmar. 2012. PubMed ID: 23270367). This variant has been reported in a mother and daughter with obesity and speech and language delay (Table 1, Doche et al. 2012. PubMed ID: 23160192). Functional studies of this variant in the context of the SH2B1α protein revealed no impact on cell migration or phosphorylation activity (Pearce et al. 2014. PubMed ID: 24971614). This variant is reported in 0.061% of alleles in individuals of European (Non-Finnish) descent in gnomAD. At this time, the clinical significance of this variant is uncertain due to the absence of conclusive functional and genetic evidence.

Labcorp Genetics (formerly Invitae), Labcorp
Classification: Uncertain significance. Last evaluated: 2025-11-03. Review status: criteria provided, single submitter. Criteria: Invitae Variant Classification Sherloc (09022015). Collection method: clinical testing. Allele origin: germline.
Comment: This sequence change replaces threonine, which is neutral and polar, with asparagine, which is neutral and polar, at codon 175 of the SH2B1 protein (p.Thr175Asn). This variant is present in population databases (rs147094247, gnomAD 0.06%), and has an allele count higher than expected for a pathogenic variant. This missense change has been observed in individual(s) with obesity (PMID: 23160192, 23270367, 24971614, 26031769). ClinVar contains an entry for this variant (Variation ID: 1338248). An algorithm developed to predict the effect of missense changes on protein structure and function (PolyPhen-2) suggests that this variant is likely to be tolerated. Experimental studies are conflicting or provide insufficient evidence to determine the effect of this variant on SH2B1 function (PMID: 23160192, 24971614). In summary, the available evidence is currently insufficient to determine the role of this variant in disease. Therefore, it has been classified as a Variant of Uncertain Significance.

CeGaT Center for Human Genetics Tuebingen
Classification: Uncertain significance. Last evaluated: 2022-09-01. Review status: criteria provided, single submitter. Criteria: CeGaT Center For Human Genetics Tuebingen Variant Classification Criteria Version 2. Collection method: clinical testing. Allele origin: germline. Affected: yes. Observed: 1 variant allele.

Genetic Services Laboratory, University of Chicago
Classification: Uncertain significance. Last evaluated: 2021-06-04. Review status: criteria provided, single submitter. Criteria: ACMG Guidelines, 2015. Collection method: clinical testing. Allele origin: germline. Affected: no.
Comment: DNA sequence analysis of the SH2B1 gene demonstrated a sequence change, c.524C>A, in exon 2 that results in an amino acid change, p.Thr175Asn. This sequence change has been described in the gnomAD database with a frequency of 0.061% in the European (Non-Finnish) sub-population (dbSNP rs14709424). The p.Thr175Asn change affects a weakly conserved amino acid residue located in a domain of the SH2B1 protein that is not known to be functional. The p.Thr175Asn substitution appears to be benign using several in-silico pathogenicity prediction tools (SIFT, PolyPhen2, Align GVGD, REVEL). This sequence change has been reported in the heterozygous state in an individual with obesity, and speech and language delays (PMID: 2316019). The variant was also present in this individual√¢‚Ç¨‚Ñ¢s mother and sister. Both had speech and language delays and the mother had an elevated BMI. Due to insufficient evidences, the clinical significance of the p.Thr175Asn change remains unknown at this time.

Literature cited by the submitters: PubMed 23160192 (cited by Labcorp Genetics (formerly Invitae), Labcorp); PubMed 23270367 (cited by Labcorp Genetics (formerly Invitae), Labcorp); PubMed 24971614 (cited by Labcorp Genetics (formerly Invitae), Labcorp); PubMed 26031769 (cited by Labcorp Genetics (formerly Invitae), Labcorp).